The following is an entry in ClinVar:

NM_006267.5(RANBP2):c.1918-1G>A

Gene: RANBP2 (RAN binding protein 2; plus strand). Cytogenetic location: 2q13.
Variant type: single nucleotide variant.
Coding change: c.1918-1G>A on transcript NM_006267.5 (MANE Select); the canonical splice acceptor site of the intron before coding-DNA position 1918, G replaced by A.
Molecular consequence: splice acceptor variant.
Genome position (GRCh38, 1-based): chr2:108,753,425, G>A. VCF-style: chr2-108753425-G-A. GRCh37 (hg19) VCF-style: chr2-109369881-G-A.
Other names: c.1918-1G>A (NM_001415871.1, NM_001415873.1); c.1915-1G>A (NM_001415872.1).
Identifiers: ClinVar variation 565788 (VCV000565788.9), dbSNP rs1193113074, ClinGen allele CA348052617.

ClinVar aggregate classification (germline): Uncertain significance (1 of 4 stars; one submission).

Conditions:
Familial acute necrotizing encephalopathy (IIAE3). Also called: ENCEPHALOPATHY, ACUTE, INFECTION-INDUCED, SUSCEPTIBILITY TO, 3; Susceptibility to Acute Necrotizing Encephalopathy 1. Identifiers: Orphanet 88619, MedGen C2675556, MONDO:0011953, OMIM 608033.

Submission:

Labcorp Genetics (formerly Invitae), Labcorp
Classification: Uncertain significance for Familial acute necrotizing encephalopathy. Last evaluated: 2019-07-11. Review status: criteria provided, single submitter. Criteria: Invitae Variant Classification Sherloc (09022015). Collection method: clinical testing. Allele origin: germline.
Comment: Algorithms developed to predict the effect of sequence changes on RNA splicing suggest that this variant may disrupt the consensus splice site, but this prediction has not been confirmed by published transcriptional studies. The current clinical and genetic evidence is not sufficient to establish whether loss-of-function variants in RANBP2 cause disease. In summary, the available evidence is currently insufficient to determine the role of this variant in disease. Therefore, it has been classified as a Variant of Uncertain Significance. This variant has not been reported in the literature in individuals with RANBP2-related disease. This sequence change affects an acceptor splice site in intron 13 of the RANBP2 gene. It is expected to disrupt RNA splicing and likely results in an absent or disrupted protein product. This variant is not present in population databases (ExAC no frequency).